The following is an entry in ClinVar:

NM_002473.6(MYH9):c.3193G>C (p.Ala1065Pro)

Gene: MYH9 (myosin heavy chain 9; minus strand). Cytogenetic location: 22q12.3.
Variant type: single nucleotide variant.
Coding change: c.3193G>C on transcript NM_002473.6 (MANE Select); coding-DNA position 3193, G replaced by C.
Protein change: p.Ala1065Pro; replaces alanine 1065 with proline.
Molecular consequence: missense variant.
Genome position (GRCh38, 1-based): chr22:36,296,922, C>G on the plus strand (G>C on the coding strand, the complement: MYH9 is on the minus strand). VCF-style: chr22-36296922-C-G. GRCh37 (hg19) VCF-style: chr22-36692968-C-G.
Other names: short protein forms A1065P.
Identifiers: ClinVar variation 2632242 (VCV002632242.1), dbSNP rs1423642805, ClinGen allele CA411389480.

ClinVar aggregate classification (germline): Uncertain significance (1 of 4 stars; one submission).

Conditions:
MYH9-related disorder. Identifiers: MedGen C1854520.

Submission:

PreventionGenetics, part of Exact Sciences
Classification: Uncertain significance for MYH9-related condition. Last evaluated: 2023-06-23. Review status: criteria provided, single submitter. Criteria: ACMG Guidelines, 2015. Collection method: clinical testing. Allele origin: germline.
Comment: The MYH9 c.3193G>C variant is predicted to result in the amino acid substitution p.Ala1065Pro. To our knowledge, this variant has not been reported in the literature or in a large population database, indicating this variant is rare. At this time, the clinical significance of this variant is uncertain due to the absence of conclusive functional and genetic evidence.